The following is an entry in ClinVar:

ClinVar aggregate classification (germline): Uncertain significance (1 of 4 stars; one submission).

Conditions:
Spondyloepimetaphyseal dysplasia, PAPSS2 type. Also called: BRACHYOLMIA TYPE 4 WITH MILD EPIPHYSEAL AND METAPHYSEAL CHANGES; SPONDYLODYSPLASIA AND PREMATURE PUBARCHE; SEMD, PAKISTANI TYPE. Identifiers: Orphanet 93282, MedGen C2748516, MONDO:0019666, OMIM 612847.

Allele frequency attached by ClinVar (database versions not stated): gnomAD exomes below 0.00001; gnomAD 0.00002 and 0.00003; TOPMed 0.00004.
gnomAD v4.1: 6 of 1,613,858 alleles (0.00037%); highest among the groups gnomAD compares: African/African-American, 0.0053%; no homozygotes.

Submission:

Labcorp Genetics (formerly Invitae), Labcorp
Classification: Uncertain significance for Spondyloepimetaphyseal dysplasia, PAPSS2 type. Last evaluated: 2021-07-20. Review status: criteria provided, single submitter. Criteria: Invitae Variant Classification Sherloc (09022015). Collection method: clinical testing. Allele origin: germline.
Comment: This variant is not present in population databases (ExAC no frequency). In summary, the available evidence is currently insufficient to determine the role of this variant in disease. Therefore, it has been classified as a Variant of Uncertain Significance. Algorithms developed to predict the effect of sequence changes on RNA splicing suggest that this variant may create or strengthen a splice site, but this prediction has not been confirmed by published transcriptional studies. Algorithms developed to predict the effect of missense changes on protein structure and function are either unavailable or do not agree on the potential impact of this missense change (SIFT: "Deleterious"; PolyPhen-2: "Benign"; Align-GVGD: "Class C0"). This variant has not been reported in the literature in individuals with PAPSS2-related conditions. This sequence change replaces glycine with valine at codon 317 of the PAPSS2 protein (p.Gly317Val). The glycine residue is highly conserved and there is a moderate physicochemical difference between glycine and valine.

NM_001015880.2(PAPSS2):c.950G>T (p.Gly317Val)

Gene: PAPSS2 (3'-phosphoadenosine 5'-phosphosulfate synthase 2; plus strand). Cytogenetic location: 10q23.31.
Variant type: single nucleotide variant.
Coding change: c.950G>T on transcript NM_001015880.2 (MANE Select); coding-DNA position 950, G replaced by T.
Protein change: p.Gly317Val; replaces glycine 317 with valine.
Molecular consequence: missense variant.
Genome position (GRCh38, 1-based): chr10:87,727,353, G>T. VCF-style: chr10-87727353-G-T. GRCh37 (hg19) VCF-style: chr10-89487110-G-T.
Other names: c.935G>T, p.Gly312Val (NM_004670.4); short protein forms G312V, G317V.
Identifiers: ClinVar variation 1442969 (VCV001442969.8), dbSNP rs953188794, ClinGen allele CA211271747.
Genomic context (GRCh38, chr10:87,727,353, plus strand): 5'-TCAACATGAGCATCCCCATTGTACTGCCCGTCTCTGCAGAGGATAAGACACGGCTGGAAG[G>T]GTGCAGCAAGTTTGTCCTGGCACATGGTGGACGGAGGGTAGCTATCTTACGAGACGCTGA-3'
Protein context (NP_001015880.1, residues 307-327): VSAEDKTRLE[Gly317Val]CSKFVLAHGG